The following is an entry in ClinVar:

NM_002122.5(HLA-DQA1):c.366C>T (p.Pro122=)

Gene: HLA-DQA1 (major histocompatibility complex, class II, DQ alpha 1; plus strand). Cytogenetic location: 6p21.32.
Variant type: single nucleotide variant.
Coding change: c.366C>T on transcript NM_002122.5 (MANE Select); coding-DNA position 366, C replaced by T.
Protein change: p.Pro122=; no amino-acid change (proline 122 retained).
Molecular consequence: synonymous variant.
Genome position (GRCh38, 1-based): chr6:32,642,006, C>T. VCF-style: chr6-32642006-C-T. GRCh37 (hg19) VCF-style: chr6-32609783-C-T.
Identifiers: ClinVar variation 2656471 (VCV002656471.24), dbSNP rs1048124, ClinGen allele CA3743884.

ClinVar aggregate classification (germline): Likely benign (1 of 4 stars; one submission).

Submission:

CeGaT Center for Human Genetics Tuebingen
Classification: Likely benign. Last evaluated: 2022-03-01. Review status: criteria provided, single submitter. Criteria: CeGaT Center For Human Genetics Tuebingen Variant Classification Criteria Version 2. Collection method: clinical testing. Allele origin: germline. Affected: yes. Observed: 1 variant allele.
Comment: HLA-DQA1: BP4, BP7